The following is an entry in ClinVar:

ClinVar aggregate classification (germline): Uncertain significance (1 of 4 stars; one submission).

Submission:

Greenwood Genetic Center Diagnostic Laboratories, Greenwood Genetic Center
Classification: Uncertain significance. Last evaluated: 2024-10-03. Review status: criteria provided, single submitter. Criteria: ACMG Guidelines, 2015. Collection method: clinical testing. Allele origin: germline. Affected: yes.
Comment: Gene of Uncertain Significance

NM_015099.4(CAMTA2):c.1475C>A (p.Pro492His)

Gene: CAMTA2 (calmodulin binding transcription activator 2; minus strand). Cytogenetic location: 17p13.2.
Variant type: single nucleotide variant.
Coding change: c.1475C>A on transcript NM_015099.4 (MANE Select); coding-DNA position 1475, C replaced by A.
Protein change: p.Pro492His; replaces proline 492 with histidine.
Molecular consequence: missense variant.
Genome position (GRCh38, 1-based): chr17:4,979,847, G>T on the plus strand (C>A on the coding strand, the complement: CAMTA2 is on the minus strand). VCF-style: chr17-4979847-G-T. GRCh37 (hg19) VCF-style: chr17-4883142-G-T.
Other names: c.1481C>A, p.Pro494His (NM_001171166.2); c.1544C>A, p.Pro515His (NM_001171167.2); c.1472C>A, p.Pro491His (NM_001171168.2); short protein forms P491H, P492H, P494H, P515H.
Identifiers: ClinVar variation 3765693 (VCV003765693.1).